The following is an entry in ClinVar:

NM_003620.4(PPM1D):c.1221del (p.Cys407fs)

Gene: PPM1D (protein phosphatase, Mg2+/Mn2+ dependent 1D; plus strand). Cytogenetic location: 17q23.2.
Variant type: Deletion.
Coding change: c.1221del on transcript NM_003620.4 (MANE Select); coding-DNA position 1221, one base deleted (T; older notation c.1221delT).
Protein change: p.Cys407fs; shifts the reading frame from cysteine 407.
Molecular consequence: frameshift variant.
Genome position (GRCh38, 1-based): chr17:60,656,802, T deleted. VCF-style (leftmost placement, unchanged base first): chr17-60656801-GT-G. GRCh37 (hg19) VCF-style: chr17-58734162-GT-G.
Other names: short protein forms C407fs.
Identifiers: ClinVar variation 1329652 (VCV001329652.2), dbSNP rs1447704776, ClinGen allele CA773676040.

ClinVar aggregate classification (germline): Likely pathogenic (1 of 4 stars; one submission).

Allele frequency attached by ClinVar (database versions not stated): TOPMed below 0.00001.

Submission:

GeneDx
Classification: Likely pathogenic. Last evaluated: 2021-12-21. Review status: criteria provided, single submitter. Criteria: GeneDx Variant Classification Process June 2021. Collection method: clinical testing. Allele origin: germline. Affected: yes.
Comment: Frameshift variant predicted to result in protein truncation, as the last 199 amino acids are replaced with 1 different amino acid, and other loss-of-function variants have been reported downstream in the Human Gene Mutation Database (Stenson et al., 2014); Not observed in large population cohorts (Lek et al., 2016); Has not been previously published as pathogenic or benign to our knowledge